The following is an entry in ClinVar:

NM_000077.5(CDKN2A):c.150+7A>G

Gene: CDKN2A (cyclin dependent kinase inhibitor 2A; minus strand). Cytogenetic location: 9p21.3.
Variant type: single nucleotide variant.
Coding change: c.150+7A>G on transcript NM_000077.5 (MANE Select); 7 bases into the intron after coding-DNA position 150, A replaced by G.
Molecular consequence: intron variant. On other transcripts: missense variant (1).
Genome position (GRCh38, 1-based): chr9:21,974,671, T>C on the plus strand (A>G on the coding strand, the complement: CDKN2A is on the minus strand). VCF-style: chr9-21974671-T-C. GRCh37 (hg19) VCF-style: chr9-21974670-T-C.
Other names: c.157A>G, p.Arg53Gly (NM_058197.5); c.-3-3463A>G (NM_001363763.2); c.194-3463A>G (NM_058195.4); c.150+7A>G (NM_001195132.2); short protein forms R53G.
Identifiers: ClinVar variation 4294108 (VCV004294108.2).

ClinVar aggregate classification (germline): Likely benign. Review status: criteria provided, multiple submitters, no conflicts (2 of 4 stars). 2 submissions from 2 submitters: Likely benign (2). Last evaluated 2025-08-14.

Conditions:
Melanoma-pancreatic cancer syndrome. Identifiers: Orphanet 404560, MedGen C1838547, MONDO:0011713, OMIM 606719. Disease mechanism: loss of function.
Familial melanoma. Also called: Hereditary melanoma; Hereditary cutaneous melanoma. Identifiers: Orphanet 618, MedGen C1512419, MONDO:0018961.

gnomAD v4.1: 3 of 1,614,034 alleles (0.00019%); highest among the groups gnomAD compares: South Asian, 0.0033%; no homozygotes.

Submissions (2):

Myriad Genetics, Inc.
Classification: Likely benign for Melanoma-pancreatic cancer syndrome. Last evaluated: 2025-08-14. Review status: criteria provided, single submitter. Criteria: Myriad Autosomal Dominant, Autosomal Recessive and X-Linked Classification Criteria (2023). Collection method: clinical testing. Allele origin: unknown.
Comment: This variant is considered likely benign. This variant is intronic and is not expected to impact mRNA splicing.

Labcorp Genetics (formerly Invitae), Labcorp
Classification: Likely benign for Familial melanoma. Last evaluated: 2025-04-14. Review status: criteria provided, single submitter. Criteria: Invitae Variant Classification Sherloc (09022015). Collection method: clinical testing. Allele origin: germline.